The following is an entry in ClinVar:

ClinVar aggregate classification (germline): Uncertain significance (1 of 4 stars; one submission).

Conditions:
Developmental and epileptic encephalopathy 100 (DEE100). Identifiers: MedGen C5676932, MONDO:0030695, OMIM 619777.

Submission:

Dasa
Classification: Uncertain significance for Developmental and epileptic encephalopathy 100. Last evaluated: 2024-12-26. Review status: criteria provided, single submitter. Criteria: DASA Assertion Criteria. Collection method: clinical testing. Allele origin: germline.
Comment: NM_015176.4(FBXO28):c.517G>A (p.Val173Met) is a missense variant that results in the substitution of valine with methionine. This variant is absent from population databases. The currently available literature and clinical evidence are not sufficient to establish a definitive association between this variant and the reported condition. Therefore, this variant is classified as a variant of uncertain significance.

NM_015176.4(FBXO28):c.517G>A (p.Val173Met)

Gene: FBXO28 (F-box protein 28; plus strand). Cytogenetic location: 1q42.11.
Variant type: single nucleotide variant.
Coding change: c.517G>A on transcript NM_015176.4 (MANE Select); coding-DNA position 517, G replaced by A.
Protein change: p.Val173Met; replaces valine 173 with methionine.
Molecular consequence: missense variant. On other transcripts: non-coding transcript variant (1), intron variant (1).
Genome position (GRCh38, 1-based): chr1:224,153,142, G>A. VCF-style: chr1-224153142-G-A. GRCh37 (hg19) VCF-style: chr1-224340844-G-A.
Other names: c.517-4210G>A (NM_001136115.3); short protein forms V173M.
Identifiers: ClinVar variation 4881675 (VCV004881675.2).
Genomic context (GRCh38, chr1:224,153,142, plus strand): 5'-AGCTATTTTCTTTATTAAAAAAGAAAAATCTAAAGTGCTAATGAGAATTCATTATTTTAG[G>A]TGATTGATGAGATTTATCGTGTGTTGAGATATGTCAATTCTACCAGAGCCCCTCAACGAG-3'
Protein context (NP_055991.1, residues 163-183): SNLCCFIPGK[Val173Met]IDEIYRVLRY